The following is an entry in ClinVar:

ClinVar aggregate classification (germline): Pathogenic (1 of 4 stars; one submission).

Submission:

Labcorp Genetics (formerly Invitae), Labcorp
Classification: Pathogenic. Last evaluated: 2023-10-06. Review status: criteria provided, single submitter. Criteria: Invitae Variant Classification Sherloc (09022015). Collection method: clinical testing. Allele origin: germline.
Comment: This sequence change creates a premature translational stop signal (p.Tyr1195Ilefs*18) in the SI gene. It is expected to result in an absent or disrupted protein product. Loss-of-function variants in SI are known to be pathogenic (PMID: 16329100, 23103650, 25452324). This variant is not present in population databases (gnomAD no frequency). This variant has not been reported in the literature in individuals affected with SI-related conditions. For these reasons, this variant has been classified as Pathogenic.

Literature cited by the submitters: PubMed 16329100; PubMed 23103650; PubMed 25452324.

NM_001041.4(SI):c.3583del (p.Tyr1195fs)

Gene: SI (sucrase-isomaltase; minus strand). Cytogenetic location: 3q26.1.
Variant type: Deletion.
Coding change: c.3583del on transcript NM_001041.4 (MANE Select); coding-DNA position 3583, one base deleted (T; older notation c.3583delT).
Protein change: p.Tyr1195fs; shifts the reading frame from tyrosine 1195.
Molecular consequence: frameshift variant.
Genome position (GRCh38, 1-based): chr3:165,017,811, A deleted on the plus strand (T on the coding strand, the reverse complement: SI is on the minus strand); the first of 5 consecutive A bases (chr3:165,017,811-165,017,815); deleting any one gives the same sequence. VCF-style (leftmost placement, unchanged base first): chr3-165017810-TA-T. GRCh37 (hg19) VCF-style: chr3-164735598-TA-T.
Other names: short protein forms Y1195fs.
Identifiers: ClinVar variation 2766561 (VCV002766561.3), dbSNP rs2473275307, ClinGen allele CA2697556979.
Genomic context (GRCh38, chr3:165,017,810, plus strand): 5'-TGCAATCATACTTCATGGTATTGCTTTGTTGCAACTTCTGGAGTTGGGCCCAAAAACATA[TA>T]AAAATCCAAGATCCCTCCAACTGTACGGTAAGTTAGAGCAGGAGTTGGCTGGAATGTAAC-3'